The following is an entry in ClinVar:

ClinVar aggregate classification (germline): Conflicting classifications of pathogenicity. Review status: criteria provided, conflicting classifications (1 of 4 stars). 5 submissions from 5 submitters: Uncertain significance (4); Likely benign (1). Last evaluated 2025-06-07.

Conditions:
Malignant hyperthermia, susceptibility to, 5 (MHS5). Also called: CACNA1S-Related Malignant Hyperthermia Susceptibility. Identifiers: Orphanet 423, MedGen C1866077, MONDO:0011163, OMIM 601887.
Hypokalemic periodic paralysis, type 1. Also called: Hypokalemic Periodic Paralysis Type 1 (AD); HypoPP. Identifiers: Orphanet 681, MedGen C3714580, MONDO:0042979, OMIM 170400.
Congenital myopathy 18. Also called: DIHYDROPYRIDINE RECEPTOR CONGENITAL MYOPATHY; DHPR CONGENITAL MYOPATHY; Myopathy, congenital, due to dihydropyridine receptor defect. Identifiers: MedGen C5830283, MONDO:0859514, OMIM 620246.
Thyrotoxic periodic paralysis, susceptibility to, 1 (TTPP1). Identifiers: Orphanet 79102, MedGen C2749982, MONDO:0008570, OMIM 188580.
Inborn genetic diseases. Identifiers: MedGen C0950123, MeSH D030342.

Allele frequency attached by ClinVar (database versions not stated): TOPMed 0.00009; ESP Exome Variant Server 0.00015; gnomAD exomes 0.00001; ExAC 0.00002; gnomAD 0.00007.
gnomAD v4.1: 29 of 1,614,210 alleles (0.0018%); highest among the groups gnomAD compares: African/African-American, 0.032%; no homozygotes.

Submissions (5):

Ambry Genetics
Classification: Uncertain significance for Inborn genetic diseases. Last evaluated: 2025-06-07. Review status: criteria provided, single submitter. Criteria: Ambry Variant Classification Scheme 2023. Collection method: clinical testing. Allele origin: germline.

Labcorp Genetics (formerly Invitae), Labcorp
Classification: Likely benign for Hypokalemic periodic paralysis, type 1; Malignant hyperthermia, susceptibility to, 5. Last evaluated: 2024-09-18. Review status: criteria provided, single submitter. Criteria: Invitae Variant Classification Sherloc (09022015). Collection method: clinical testing. Allele origin: germline.

Fulgent Genetics
Classification: Uncertain significance for Hypokalemic periodic paralysis, type 1; Thyrotoxic periodic paralysis, susceptibility to, 1; Malignant hyperthermia, susceptibility to, 5; Congenital myopathy 18. Last evaluated: 2024-06-07. Review status: criteria provided, single submitter. Criteria: ACMG Guidelines, 2015. Collection method: clinical testing. Allele origin: germline.

Color Diagnostics, LLC DBA Color Health
Classification: Uncertain significance for Malignant hyperthermia, susceptibility to, 5. Last evaluated: 2024-03-28. Review status: criteria provided, single submitter. Criteria: ACMG Guidelines, 2015. Collection method: clinical testing. Allele origin: germline.
Comment: This missense variant replaces tyrosine with cysteine at codon 1334 of the CACNA1S protein. Computational prediction suggests that this variant may have deleterious impact on protein structure and function. To our knowledge, functional studies have not been reported for this variant. This variant has not been reported in individuals affected with CACNA1S-related disorders in the literature. This variant has been identified in 8/282888 chromosomes in the general population by the Genome Aggregation Database (gnomAD). The available evidence is insufficient to determine the role of this variant in disease conclusively. Therefore, this variant is classified as a Variant of Uncertain Significance.

GeneDx
Classification: Uncertain significance. Last evaluated: 2023-10-11. Review status: criteria provided, single submitter. Criteria: GeneDx Variant Classification Process June 2021. Collection method: clinical testing. Allele origin: germline. Affected: yes.
Comment: In silico analysis supports that this missense variant does not alter protein structure/function; Has not been previously published as pathogenic or benign to our knowledge

NM_000069.3(CACNA1S):c.4001A>G (p.Tyr1334Cys)

Gene: CACNA1S (calcium voltage-gated channel subunit alpha1 S; minus strand). Cytogenetic location: 1q32.1.
Variant type: single nucleotide variant.
Coding change: c.4001A>G on transcript NM_000069.3 (MANE Select); coding-DNA position 4001, A replaced by G.
Protein change: p.Tyr1334Cys; replaces tyrosine 1334 with cysteine.
Molecular consequence: missense variant.
Genome position (GRCh38, 1-based): chr1:201,051,096, T>C on the plus strand (A>G on the coding strand, the complement: CACNA1S is on the minus strand). VCF-style: chr1-201051096-T-C. GRCh37 (hg19) VCF-style: chr1-201020224-T-C.
Other names: c.4001A>G (NM_000069.2); short protein forms Y1334C.
Identifiers: ClinVar variation 2952907 (VCV002952907.7), dbSNP rs146158332, ClinGen allele CA083031.